The following is an entry in ClinVar:

NM_000213.5(ITGB4):c.2834G>A (p.Arg945Gln)

Gene: ITGB4 (integrin subunit beta 4; plus strand). Cytogenetic location: 17q25.1.
Variant type: single nucleotide variant.
Coding change: c.2834G>A on transcript NM_000213.5 (MANE Select); coding-DNA position 2834, G replaced by A.
Protein change: p.Arg945Gln; replaces arginine 945 with glutamine.
Molecular consequence: missense variant.
Genome position (GRCh38, 1-based): chr17:75,742,633, G>A. VCF-style: chr17-75742633-G-A. GRCh37 (hg19) VCF-style: chr17-73738714-G-A.
Other names: c.2834G>A, p.Arg945Gln (NM_001005619.2, NM_001005731.3, NM_001321123.2); short protein forms R945Q.
Identifiers: ClinVar variation 803465 (VCV000803465.11), dbSNP rs141953294, ClinGen allele CA8769598.

ClinVar aggregate classification (germline): Conflicting classifications of pathogenicity. Review status: criteria provided, conflicting classifications (1 of 4 stars). 5 submissions from 5 submitters: Uncertain significance (4); Likely benign (1). Last evaluated 2026-01-05.

Conditions:
ITGB4-related disorder. Also called: ITGB4-related condition.
Junctional epidermolysis bullosa with pyloric atresia. Also called: APLASIA CUTIS CONGENITA WITH GASTROINTESTINAL ATRESIA; Junctional Epidermolysis Bullosa- Pyloric Atresia Syndrome; EPIDERMOLYSIS BULLOSA, JUNCTIONAL 5B, WITH PYLORIC ATRESIA; CARMI SYNDROME; EB-PA-ACC; ITGB4-Related Epidermolysis Bullosa with Pyloric Atresia. Identifiers: Orphanet 79403, MedGen C5676875, MONDO:0009183, OMIM 226730.
Epidermolysis bullosa, junctional 5A, intermediate. Also called: EPIDERMOLYSIS BULLOSA, JUNCTIONAL 5A, GENERALIZED INTERMEDIATE; EPIDERMOLYSIS BULLOSA, JUNCTIONAL 5A, NON-HERLITZ TYPE. Identifiers: MedGen C5676956, MONDO:0030768, OMIM 619816.

Allele frequency attached by ClinVar (database versions not stated): gnomAD 0.00006 and 0.00007; ESP Exome Variant Server 0.00023.
gnomAD v4.1: 159 of 1,613,912 alleles (0.0099%); highest among the groups gnomAD compares: Admixed American, 0.02%; no homozygotes.

Submissions (5):

Labcorp Genetics (formerly Invitae), Labcorp
Classification: Likely benign. Last evaluated: 2026-01-05. Review status: criteria provided, single submitter. Criteria: Invitae Variant Classification Sherloc (09022015). Collection method: clinical testing. Allele origin: germline.

Fulgent Genetics
Classification: Uncertain significance for Junctional epidermolysis bullosa with pyloric atresia; Epidermolysis bullosa, junctional 5A, intermediate. Last evaluated: 2024-03-07. Review status: criteria provided, single submitter. Criteria: ACMG Guidelines, 2015. Collection method: clinical testing. Allele origin: germline.

PreventionGenetics, part of Exact Sciences
Classification: Uncertain significance for ITGB4-related condition. Last evaluated: 2022-12-19. Review status: criteria provided, single submitter. Criteria: ACMG Guidelines, 2015. Collection method: clinical testing. Allele origin: germline.
Comment: The ITGB4 c.2834G>A variant is predicted to result in the amino acid substitution p.Arg945Gln. To our knowledge, this variant has not been reported in the literature. This variant is reported in 0.20% of alleles in individuals of Ashkenazi Jewish descent in gnomAD. Although we suspect that this variant may be benign, at this time, the clinical significance of this variant is uncertain due to the absence of conclusive functional and genetic evidence.

Mendelics
Classification: Uncertain significance for Junctional epidermolysis bullosa with pyloric atresia. Last evaluated: 2019-05-28. Review status: criteria provided, single submitter. Criteria: Mendelics Assertion Criteria 2017. Collection method: clinical testing. Allele origin: unknown.

Illumina Laboratory Services, Illumina
Classification: Uncertain significance for Junctional epidermolysis bullosa with pyloric atresia. Last evaluated: 2018-01-13. Review status: criteria provided, single submitter. Criteria: ICSL Variant Classification Criteria 13 December 2019. Collection method: clinical testing. Allele origin: germline.